The following is an entry in ClinVar:

ClinVar aggregate classification (germline): Conflicting classifications of pathogenicity. Review status: criteria provided, conflicting classifications (1 of 4 stars). 18 submissions from 17 submitters: Uncertain significance (2); Benign (4); Likely benign (8). 4 of the submissions do not count toward it. Last evaluated 2026-02-02.

Conditions:
Inborn genetic diseases. Identifiers: MedGen C0950123, MeSH D030342.
KCNT1-related disorder. Also called: KCNT1-related condition.
Autosomal dominant nocturnal frontal lobe epilepsy 5. Also called: Epilepsy, nocturnal frontal lobe, 5; CILIARY DYSKINESIA, PRIMARY, 28, WITHOUT SITUS INVERSUS; CILIARY DYSKINESIA, PRIMARY, 28, WITH SITUS INVERSUS; KCNT1-Related Epilepsy. Identifiers: Orphanet 98784, MedGen C3554306, MONDO:0014002, OMIM 615005.
Developmental and epileptic encephalopathy, 14 (DEE14). Also called: Early infantile epileptic encephalopathy 14. Identifiers: Orphanet 293181, MedGen C3554195, MONDO:0013989, OMIM 614959.

Allele frequency attached by ClinVar (database versions not stated): gnomAD exomes 0.00046 and 0.00060; 1000 Genomes Project 30x 0.00078; 1000 Genomes Project 0.00080; ExAC 0.00139; TOPMed 0.00152; gnomAD 0.00156 and 0.00162; ESP Exome Variant Server 0.00215.
gnomAD v4.1: 1,127 of 1,608,188 alleles (0.07%); highest among the groups gnomAD compares: Non-Finnish European, 0.078%; 2 homozygotes.

Submissions (20):

Labcorp Genetics (formerly Invitae), Labcorp
Classification: Likely benign for Autosomal dominant nocturnal frontal lobe epilepsy 5; Developmental and epileptic encephalopathy, 14. Last evaluated: 2026-02-02. Review status: criteria provided, single submitter. Criteria: Invitae Variant Classification Sherloc (09022015). Collection method: clinical testing. Allele origin: germline.

CeGaT Center for Human Genetics Tuebingen
Classification: Likely benign. Last evaluated: 2026-02-01. Review status: criteria provided, single submitter. Criteria: CeGaT Center For Human Genetics Tuebingen Variant Classification Criteria Version 2. Collection method: clinical testing. Allele origin: germline. Affected: yes. Observed: 11 variant alleles.
Comment: KCNT1: BS1

Ambry Genetics
Classification: Likely benign for Inborn genetic diseases. Last evaluated: 2025-12-22. Review status: criteria provided, single submitter. Criteria: Ambry Variant Classification Scheme 2023. Collection method: clinical testing. Allele origin: germline.

Women's Health and Genetics/Laboratory Corporation of America, LabCorp
Classification: Likely benign. Last evaluated: 2025-12-02. Review status: criteria provided, single submitter. Criteria: LabCorp Variant Classification Summary - May 2015. Collection method: clinical testing. Allele origin: germline.
Comment: Variant summary: KCNT1 c.2729G>A (p.Arg910Gln) results in a conservative amino acid change in the encoded protein sequence. Algorithms developed to predict the effect of missense changes on protein structure and function are either unavailable or do not agree on the potential impact of this missense change. Several computational tools predict a significant impact on normal splicing: Two predict the variant abolishes a canonical 5' splicing donor site. Two predict the variant weakens this site. However, these predictions have yet to be confirmed by functional studies. The variant allele was found at a frequency of 0.00046 in 249824 control chromosomes, predominantly at a frequency of 0.00084 within the Non-Finnish European subpopulation in the gnomAD database. To our knowledge, no occurrence of c.2729G>A in individuals affected with KCNT1-related conditions and no experimental evidence demonstrating its impact on protein function have been reported. ClinVar contains an entry for this variant (Variation ID: 224109). Based on the evidence outlined above, the variant was classified as likely benign.

ARUP Laboratories, Molecular Genetics and Genomics, ARUP Laboratories
Classification: Uncertain significance. Last evaluated: 2025-02-12. Review status: criteria provided, single submitter. Criteria: ARUP Molecular Germline Variant Investigation Process 2024. Collection method: clinical testing. Allele origin: germline.

Blueprint Genetics
Classification: Likely benign. Last evaluated: 2024-11-25. Review status: criteria provided, single submitter. Criteria: ACMG Guidelines, 2015. Collection method: clinical testing. Allele origin: germline.

Genome-Nilou Lab
Classification: Benign for Developmental and epileptic encephalopathy, 14. Last evaluated: 2022-03-15. Review status: criteria provided, single submitter. Criteria: ACMG Guidelines, 2015. Collection method: clinical testing. Allele origin: germline. Affected: no.

Genome-Nilou Lab
Classification: Benign for Autosomal dominant nocturnal frontal lobe epilepsy 5. Last evaluated: 2022-03-15. Review status: criteria provided, single submitter. Criteria: ACMG Guidelines, 2015. Collection method: clinical testing. Allele origin: germline. Affected: no.

GeneDx
Classification: Benign. Last evaluated: 2020-02-20. Review status: criteria provided, single submitter. Criteria: GeneDx Variant Classification Process June 2021. Collection method: clinical testing. Allele origin: germline. Affected: yes.
Comment: This variant is associated with the following publications: (PMID: 26105150, 28554332)

Mendelics
Classification: Likely benign for Developmental and epileptic encephalopathy, 14. Last evaluated: 2019-05-28. Review status: criteria provided, single submitter. Criteria: Mendelics Assertion Criteria 2017. Collection method: clinical testing. Allele origin: unknown.

HudsonAlpha Institute for Biotechnology
Classification: Likely benign for Developmental and epileptic encephalopathy, 14. Last evaluated: 2018-04-16. Review status: criteria provided, single submitter. Criteria: ACMG Guidelines, 2015. Collection method: research. Allele origin: maternal. Affected: no. Observed: 1 variant allele. Study: CSER-HudsonAlpha.

Eurofins Ntd Llc (ga)
Classification: Likely benign. Last evaluated: 2016-04-15. Review status: criteria provided, single submitter. Criteria: EGL Classification Definitions 2015. Collection method: clinical testing. Allele origin: germline. Observed: 1 variant allele, 1 heterozygote.

Athena Diagnostics
Classification: Benign. Last evaluated: 2014-06-12. Review status: criteria provided, single submitter. Criteria: Athena Diagnostics Criteria. Collection method: clinical testing. Allele origin: germline.

Center for Genomics, Ann and Robert H. Lurie Children's Hospital of Chicago
Classification: Uncertain significance for Developmental and epileptic encephalopathy, 14; Autosomal dominant nocturnal frontal lobe epilepsy 5. Review status: criteria provided, single submitter. Criteria: ACMG Guidelines, 2015. Collection method: clinical testing. Allele origin: germline.
Comment: KCNT1 NM_020822 exon 23 p.Arg910Gln (c.2729G>A): This variant has not been reported in the literature but is present in 109/125624 European individuals in the Genome Aggregation Database. This variant is present in ClinVar (Variation ID:224109). Evolutionary conservation and computational predictive tools for this variant are unclear. In summary, data on this variant is insufficient for disease classification. Therefore, the clinical significance of this variant is uncertain.

PreventionGenetics, part of Exact Sciences
Classification: Likely benign for KCNT1-related condition. Last evaluated: 2020-01-31. Review status: no assertion criteria provided. Collection method: clinical testing. Allele origin: germline. Not counted in ClinVar's aggregate classification.
Comment: This variant is classified as likely benign based on ACMG/AMP sequence variant interpretation guidelines (Richards et al. 2015 PMID: 25741868, with internal and published modifications).

Clinical Genetics DNA and cytogenetics Diagnostics Lab, Erasmus MC, Erasmus Medical Center
Classification: Likely benign. Review status: no assertion criteria provided. Collection method: clinical testing. Allele origin: germline. Affected: yes. Study: VKGL Data-share Consensus. Not counted in ClinVar's aggregate classification.

Diagnostic Laboratory, Department of Genetics, University Medical Center Groningen
Classification: Likely benign. Review status: no assertion criteria provided. Collection method: clinical testing. Allele origin: germline. Affected: yes. Study: VKGL Data-share Consensus. Not counted in ClinVar's aggregate classification.

Dr. Peter K. Rogan Lab, Western University
No classification provided (evidence only). Condition: Thyroid cancer, nonmedullary, 1. Review status: no classification provided. Collection method: in vitro. Allele origin: not applicable. Functional consequence: retained intron. Not counted in ClinVar's aggregate classification.

Dr. Peter K. Rogan Lab, Western University
No classification provided (evidence only). Condition: Ovarian serous cystadenocarcinoma. Review status: no classification provided. Collection method: in vitro. Allele origin: not applicable. Functional consequence: retained intron. Not counted in ClinVar's aggregate classification.

Genome Diagnostics Laboratory, University Medical Center Utrecht
Classification: Likely benign. Review status: no assertion criteria provided. Collection method: clinical testing. Allele origin: germline. Affected: yes. Study: VKGL Data-share Consensus. Not counted in ClinVar's aggregate classification.

Literature cited by the submitters: PubMed 26105150 (cited by Athena Diagnostics); PubMed 28554332 (cited by Athena Diagnostics).

NM_020822.3(KCNT1):c.2729G>A (p.Arg910Gln)

Gene: KCNT1 (potassium sodium-activated channel subfamily T member 1; plus strand). Cytogenetic location: 9q34.3.
Variant type: single nucleotide variant.
Coding change: c.2729G>A on transcript NM_020822.3 (MANE Select); coding-DNA position 2729, G replaced by A.
Protein change: p.Arg910Gln; replaces arginine 910 with glutamine.
Molecular consequence: missense variant.
Genome position (GRCh38, 1-based): chr9:135,778,822, G>A. VCF-style: chr9-135778822-G-A. GRCh37 (hg19) VCF-style: chr9-138670668-G-A.
Other names: c.2594G>A, p.Arg865Gln (NM_001272003.2); short protein forms R910Q, R865Q.
Identifiers: ClinVar variation 224109 (VCV000224109.76), dbSNP rs151272083, ClinGen allele CA354199.